The following is an entry in ClinVar:

NM_005996.4(TBX3):c.247C>A (p.Pro83Thr)

Genes: TBX3 (T-box transcription factor 3; minus strand), TBX3-AS1 (TBX3 antisense RNA 1; plus strand). Cytogenetic location: 12q24.21.
Variant type: single nucleotide variant.
Coding change: c.247C>A on transcript NM_005996.4 (MANE Select); coding-DNA position 247, C replaced by A.
Protein change: p.Pro83Thr; replaces proline 83 with threonine.
Molecular consequence: missense variant.
Genome position (GRCh38, 1-based): chr12:114,682,954, G>T on the plus strand (C>A on the coding strand, the complement: TBX3 is on the minus strand). VCF-style: chr12-114682954-G-T. GRCh37 (hg19) VCF-style: chr12-115120759-G-T.
Other names: c.247C>A, p.Pro83Thr (NM_016569.4); short protein forms P83T.
Identifiers: ClinVar variation 1028467 (VCV001028467.1), dbSNP rs1869005045, ClinGen allele CA386873087.

ClinVar aggregate classification (germline): Uncertain significance (1 of 4 stars; one submission).

Conditions:
Ulnar-mammary syndrome (UMS). Also called: SCHINZEL SYNDROME; Ulnar-mammary syndrome of Pallister; PALLISTER ULNAR-MAMMARY SYNDROME. Identifiers: Orphanet 3138, MedGen C1866994, MONDO:0008411, OMIM 181450.

Submission:

Baylor Genetics
Classification: Uncertain significance for Ulnar-mammary syndrome. Last evaluated: 2019-11-08. Review status: criteria provided, single submitter. Criteria: ACMG Guidelines, 2015. Collection method: clinical testing. Allele origin: unknown. Affected: yes.
Comment: This variant was determined to be of uncertain significance according to ACMG Guidelines, 2015 [PMID:25741868].